The following is an entry in ClinVar:

ClinVar aggregate classification (germline): Benign (0 of 4 stars; one submission).

Conditions:
ITIH6-related disorder. Also called: ITIH6-related condition.

Allele frequency attached by ClinVar (database versions not stated): gnomAD exomes 0.00110; ExAC 0.00450; 1000 Genomes Project 30x 0.01082; 1000 Genomes Project 0.01139; gnomAD 0.01160; TOPMed 0.01397; ESP Exome Variant Server 0.01590.
gnomAD v4.1: 2,570 of 1,207,899 alleles (0.21%); highest among the groups gnomAD compares: African/African-American, 3.9%; 27 homozygotes.

Submission:

PreventionGenetics, part of Exact Sciences
Classification: Benign for ITIH6-related condition. Last evaluated: 2020-01-13. Review status: no assertion criteria provided. Collection method: clinical testing. Allele origin: germline.
Comment: This variant is classified as benign based on ACMG/AMP sequence variant interpretation guidelines (Richards et al. 2015 PMID: 25741868, with internal and published modifications).

NM_198510.3(ITIH6):c.2555T>C (p.Ile852Thr)

Gene: ITIH6 (inter-alpha-trypsin inhibitor heavy chain family member 6; minus strand). Cytogenetic location: Xp11.22.
Variant type: single nucleotide variant.
Coding change: c.2555T>C on transcript NM_198510.3 (MANE Select); coding-DNA position 2555, T replaced by C.
Protein change: p.Ile852Thr; replaces isoleucine 852 with threonine.
Molecular consequence: missense variant.
Genome position (GRCh38, 1-based): chrX:54,757,519, A>G on the plus strand (T>C on the coding strand, the complement: ITIH6 is on the minus strand). VCF-style: chrX-54757519-A-G. GRCh37 (hg19) VCF-style: chrX-54783952-A-G.
Other names: short protein forms I852T.
Identifiers: ClinVar variation 3034039 (VCV003034039.2), dbSNP rs150850201, ClinGen allele CA10426095.